The following is an entry in ClinVar:

ClinVar aggregate classification (germline): Uncertain significance. Review status: criteria provided, multiple submitters, no conflicts (2 of 4 stars). 2 submissions from 2 submitters: Uncertain significance (2). Last evaluated 2025-01-25.

Conditions:
Inborn genetic diseases. Identifiers: MedGen C0950123, MeSH D030342.
Baller-Gerold syndrome (BGS). Also called: CRANIOSYNOSTOSIS WITH RADIAL DEFECTS. Identifiers: Orphanet 1225, MedGen C0265308, MONDO:0009039, OMIM 218600.

Allele frequency attached by ClinVar (database versions not stated): gnomAD 0.00001; gnomAD exomes 0.00001; ExAC 0.00002; 1000 Genomes Project 30x 0.00016; 1000 Genomes Project 0.00020.
gnomAD v4.1: 6 of 1,612,100 alleles (0.00037%); highest among the groups gnomAD compares: South Asian, 0.0033%; no homozygotes.

Submissions (2):

Ambry Genetics
Classification: Uncertain significance for Inborn genetic diseases. Last evaluated: 2025-01-25. Review status: criteria provided, single submitter. Criteria: Ambry Variant Classification Scheme 2023. Collection method: clinical testing. Allele origin: germline.
Comment: The p.A600V variant (also known as c.1799C>T), located in coding exon 11 of the RECQL4 gene, results from a C to T substitution at nucleotide position 1799. The alanine at codon 600 is replaced by valine, an amino acid with similar properties. This amino acid position is conserved. In addition, the in silico prediction for this alteration is inconclusive. Based on the available evidence, the clinical significance of this variant remains unclear.

Labcorp Genetics (formerly Invitae), Labcorp
Classification: Uncertain significance for Baller-Gerold syndrome. Last evaluated: 2022-04-22. Review status: criteria provided, single submitter. Criteria: Invitae Variant Classification Sherloc (09022015). Collection method: clinical testing. Allele origin: germline.
Comment: This variant is present in population databases (rs570170707, gnomAD 0.003%). This sequence change replaces alanine, which is neutral and non-polar, with valine, which is neutral and non-polar, at codon 600 of the RECQL4 protein (p.Ala600Val). This variant has not been reported in the literature in individuals affected with RECQL4-related conditions. In summary, the available evidence is currently insufficient to determine the role of this variant in disease. Therefore, it has been classified as a Variant of Uncertain Significance. Experimental studies and prediction algorithms are not available or were not evaluated, and the functional significance of this variant is currently unknown.

NM_004260.4(RECQL4):c.1799C>T (p.Ala600Val)

Gene: RECQL4 (RecQ like helicase 4; minus strand). Cytogenetic location: 8q24.3.
Variant type: single nucleotide variant.
Coding change: c.1799C>T on transcript NM_004260.4 (MANE Select); coding-DNA position 1799, C replaced by T.
Protein change: p.Ala600Val; replaces alanine 600 with valine.
Molecular consequence: missense variant.
Genome position (GRCh38, 1-based): chr8:144,514,268, G>A on the plus strand (C>T on the coding strand, the complement: RECQL4 is on the minus strand). VCF-style: chr8-144514268-G-A. GRCh37 (hg19) VCF-style: chr8-145739652-G-A.
Other names: c.1703C>T, p.Ala568Val (NM_001413017.1, NM_001413020.1); c.1799C>T, p.Ala600Val (NM_001413018.1, NM_001413019.1, NM_001413036.1); c.728C>T, p.Ala243Val (NM_001413021.1, NM_001413022.1, NM_001413023.1 and 6 more transcripts); c.1670C>T, p.Ala557Val (NM_001413025.1); c.662C>T, p.Ala221Val (NM_001413027.1, NM_001413030.1, NM_001413032.1 and 1 more transcripts); c.698C>T, p.Ala233Val (NM_001413042.1); c.332C>T, p.Ala111Val (NM_001413043.1); c.1448C>T, p.Ala483Val (NM_001413029.1); and 2 more; short protein forms A221V, A243V, A483V, A590V, A600V, A111V, A233V, A557V.
Identifiers: ClinVar variation 1968274 (VCV001968274.6), dbSNP rs570170707, ClinGen allele CA4948654.